The following is an entry in ClinVar:

ClinVar aggregate classification (germline): Uncertain significance. Review status: criteria provided, multiple submitters, no conflicts (2 of 4 stars). 2 submissions from 2 submitters: Uncertain significance (2). Last evaluated 2024-11-27.

Allele frequency attached by ClinVar (database versions not stated): gnomAD 0.00001; gnomAD exomes 0.00001; ExAC 0.00002.
gnomAD v4.1: 15 of 1,614,102 alleles (0.00093%); highest among the groups gnomAD compares: Admixed American, 0.013%; no homozygotes.

Submissions (2):

Labcorp Genetics (formerly Invitae), Labcorp
Classification: Uncertain significance. Last evaluated: 2024-11-27. Review status: criteria provided, single submitter. Criteria: Invitae Variant Classification Sherloc (09022015). Collection method: clinical testing. Allele origin: germline.
Comment: This sequence change replaces lysine, which is basic and polar, with glutamic acid, which is acidic and polar, at codon 1283 of the LAMB1 protein (p.Lys1283Glu). This variant is present in population databases (rs759892646, gnomAD 0.02%). This variant has not been reported in the literature in individuals affected with LAMB1-related conditions. ClinVar contains an entry for this variant (Variation ID: 1983971). An algorithm developed to predict the effect of missense changes on protein structure and function outputs the following: PolyPhen-2: "Benign". The glutamic acid amino acid residue is found in multiple mammalian species, which suggests that this missense change does not adversely affect protein function. In summary, the available evidence is currently insufficient to determine the role of this variant in disease. Therefore, it has been classified as a Variant of Uncertain Significance.

GeneDx
Classification: Uncertain significance. Last evaluated: 2023-12-15. Review status: criteria provided, single submitter. Criteria: GeneDx Variant Classification Process June 2021. Collection method: clinical testing. Allele origin: germline. Affected: yes.
Comment: Has not been previously published as pathogenic or benign to our knowledge; In silico analysis supports that this missense variant does not alter protein structure/function; This variant is associated with the following publications: (PMID: 23472759)

NM_002291.3(LAMB1):c.3847A>G (p.Lys1283Glu)

Gene: LAMB1 (laminin subunit beta 1; minus strand). Cytogenetic location: 7q31.1.
Variant type: single nucleotide variant.
Coding change: c.3847A>G on transcript NM_002291.3 (MANE Select); coding-DNA position 3847, A replaced by G.
Protein change: p.Lys1283Glu; replaces lysine 1283 with glutamic acid.
Molecular consequence: missense variant.
Genome position (GRCh38, 1-based): chr7:107,937,192, T>C on the plus strand (A>G on the coding strand, the complement: LAMB1 is on the minus strand). VCF-style: chr7-107937192-T-C. GRCh37 (hg19) VCF-style: chr7-107577637-T-C.
Other names: c.3847A>G (NM_002291.2); short protein forms K1283E.
Identifiers: ClinVar variation 1983971 (VCV001983971.5), dbSNP rs759892646, ClinGen allele CA4435212.